The following is an entry in ClinVar:

NM_000094.4(COL7A1):c.7723G>T (p.Gly2575Trp)

Gene: COL7A1 (collagen type VII alpha 1 chain; minus strand). Cytogenetic location: 3p21.31.
Variant type: single nucleotide variant.
Coding change: c.7723G>T on transcript NM_000094.4 (MANE Select); coding-DNA position 7723, G replaced by T.
Protein change: p.Gly2575Trp; replaces glycine 2575 with tryptophan.
Molecular consequence: missense variant.
Genome position (GRCh38, 1-based): chr3:48,568,819, C>A on the plus strand (G>T on the coding strand, the complement: COL7A1 is on the minus strand). VCF-style: chr3-48568819-C-A. GRCh37 (hg19) VCF-style: chr3-48606252-C-A.
Other names: short protein forms G2575W.
Identifiers: ClinVar variation 2802793 (VCV002802793.6), dbSNP rs760891216, ClinGen allele CA352643069.

ClinVar aggregate classification (germline): Likely pathogenic. Review status: criteria provided, multiple submitters, no conflicts (2 of 4 stars). 3 submissions from 3 submitters: Likely pathogenic (3). Last evaluated 2024-04-03.

Conditions:
Nonsyndromic congenital nail disorder 8. Also called: TOENAIL DYSTROPHY, ISOLATED. Identifiers: MedGen C1843761, MONDO:0011852, OMIM 607523.
Recessive dystrophic epidermolysis bullosa (RDEB). Also called: DYSTROPHIC EPIDERMOLYSIS BULLOSA, AUTOSOMAL RECESSIVE; EPIDERMOLYSIS BULLOSA DYSTROPHICA, HALLOPEAU-SIEMENS TYPE; Hallopeau-Siemens Disease; epidermolysis bullosa dystrophica, autosomal recessive; Recessive DEB (RDEB); EPIDERMOLYSIS BULLOSA DYSTROPHICA, GENERALIZED SEVERE, AUTOSOMAL RECESSIVE. Identifiers: Orphanet 79408, Orphanet 79409, MedGen C0079474, MONDO:0009179, OMIM 226600.
Dominant dystrophic epidermolysis bullosa with absence of skin. Also called: EPIDERMOLYSIS BULLOSA WITH CONGENITAL LOCALIZED ABSENCE OF SKIN AND DEFORMITY OF NAILS; EPIDERMOLYSIS BULLOSA DYSTROPHICA, BART TYPE. Identifiers: MedGen C0268371, MONDO:0007557, OMIM 132000.
Transient bullous dermolysis of the newborn (TBDN). Also called: DYSTROPHIC EPIDERMOLYSIS BULLOSA, NEONATAL; EPIDERMOLYSIS BULLOSA DYSTROPHICA, NEONATAL FORM. Identifiers: Orphanet 79411, MedGen C1851573, MONDO:0007548, OMIM 131705.
Generalized dominant dystrophic epidermolysis bullosa (DDEB). Also called: DDEB, generalized; DDEB-gen; DYSTROPHIC EPIDERMOLYSIS BULLOSA, AUTOSOMAL DOMINANT; Epidermolysis bullosa dystrophica, autosomal dominant; Dominant DEB (DDEB). Identifiers: Orphanet 231568, MedGen C0432322, MONDO:0007549, OMIM 131750.
Epidermolysis bullosa pruriginosa. Also called: DEB, PRURIGINOSA; DYSTROPHIC EPIDERMOLYSIS BULLOSA PRURIGINOSA. Identifiers: Orphanet 89843, MedGen C1275114, MONDO:0011398, OMIM 604129.
Pretibial dystrophic epidermolysis bullosa. Also called: EPIDERMOLYSIS BULLOSA DYSTROPHICA, PRETIBIAL; Pretibial epidermolysis bullosa; Pretibial blistering. Identifiers: Orphanet 79410, MedGen C0432321, MONDO:0007552, OMIM 131850, HP:0012221.

gnomAD v4.1: 1 of 1,576,276 alleles (0.000063%); highest among the groups gnomAD compares: Admixed American, 0.0018%; no homozygotes.

Submissions (3):

Fulgent Genetics
Classification: Likely pathogenic for Transient bullous dermolysis of the newborn; Generalized dominant dystrophic epidermolysis bullosa; Pretibial dystrophic epidermolysis bullosa; Dominant dystrophic epidermolysis bullosa with absence of skin; Recessive dystrophic epidermolysis bullosa; Epidermolysis bullosa pruriginosa; Nonsyndromic congenital nail disorder 8. Last evaluated: 2024-04-03. Review status: criteria provided, single submitter. Criteria: ACMG Guidelines, 2015. Collection method: clinical testing. Allele origin: germline.

Women's Health and Genetics/Laboratory Corporation of America, LabCorp
Classification: Likely pathogenic for Dystrophic Epidermolysis Bullosa, Recessive. Last evaluated: 2024-03-28. Review status: criteria provided, single submitter. Criteria: LabCorp Variant Classification Summary - May 2015. Collection method: clinical testing. Allele origin: germline.
Comment: Variant summary: COL7A1 c.7723G>T (p.Gly2575Trp) results in a non-conservative amino acid change within the triple-helical region of the encoded protein sequence and disrupts a glycine residue at position 1 of a Gly-X-Y repeat. Five of five in-silico tools predict a damaging effect of the variant on protein function. The variant was absent in 191218 control chromosomes (gnomAD). To our knowledge, no occurrence of c.7723G>T in individuals affected with Dystrophic Epidermolysis Bullosa and no experimental evidence demonstrating its impact on protein function have been reported. However, a variant resulting in a different amino acid change at the same position, p.Gly2575Arg, has been classified as pathogenic, suggesting this Gly residue is important for normal protein function. ClinVar contains an entry for this variant (Variation ID: 2802793). Based on the evidence outlined above, the variant was classified as likely pathogenic.

Labcorp Genetics (formerly Invitae), Labcorp
Classification: Likely pathogenic. Last evaluated: 2023-11-20. Review status: criteria provided, single submitter. Criteria: Invitae Variant Classification Sherloc (09022015). Collection method: clinical testing. Allele origin: germline.
Comment: This sequence change replaces glycine, which is neutral and non-polar, with tryptophan, which is neutral and slightly polar, at codon 2575 of the COL7A1 protein (p.Gly2575Trp). This variant is not present in population databases (gnomAD no frequency). This variant has not been reported in the literature in individuals affected with COL7A1-related conditions. Advanced modeling of protein sequence and biophysical properties (such as structural, functional, and spatial information, amino acid conservation, physicochemical variation, residue mobility, and thermodynamic stability) performed at Invitae indicates that this missense variant is expected to disrupt COL7A1 protein function with a positive predictive value of 95%. This variant disrupts the triple helix domain of COL7A1. Glycine residues within the Gly-Xaa-Yaa repeats of the triple helix domain are required for the structure and stability of fibrillar collagens (PMID: 7695699, 8218237, 19344236), and variants at these glycine residues in COL7A1 are more frequently observed in individuals with disease than in the general population (PMID: 22058051). However, the clinical significance of this observation remains uncertain since only a limited number of affected individuals have been described to date. This variant disrupts the p.Gly2575 amino acid residue in COL7A1. Other variant(s) that disrupt this residue have been determined to be pathogenic (PMID: 8592061, 16971478, 18450758). This suggests that this residue is clinically significant, and that variants that disrupt this residue are likely to be disease-causing. In summary, the currently available evidence indicates that the variant is pathogenic, but additional data are needed to prove that conclusively. Therefore, this variant has been classified as Likely Pathogenic.

Literature cited by the submitters: PubMed 7695699 (cited by Labcorp Genetics (formerly Invitae), Labcorp); PubMed 8218237 (cited by Labcorp Genetics (formerly Invitae), Labcorp); PubMed 19344236 (cited by Labcorp Genetics (formerly Invitae), Labcorp); PubMed 22058051 (cited by Labcorp Genetics (formerly Invitae), Labcorp); PubMed 8592061 (cited by Labcorp Genetics (formerly Invitae), Labcorp); PubMed 16971478 (cited by Labcorp Genetics (formerly Invitae), Labcorp); PubMed 18450758 (cited by Labcorp Genetics (formerly Invitae), Labcorp).